The following is an entry in ClinVar:

NM_015168.2(ZC3H4):c.3468G>A (p.Ala1156=)

Gene: ZC3H4 (zinc finger CCCH-type containing 4; minus strand). Cytogenetic location: 19q13.32.
Variant type: single nucleotide variant.
Coding change: c.3468G>A on transcript NM_015168.2 (MANE Select); coding-DNA position 3468, G replaced by A.
Protein change: p.Ala1156=; no amino-acid change (alanine 1156 retained).
Molecular consequence: synonymous variant.
Genome position (GRCh38, 1-based): chr19:47,066,800, C>T on the plus strand (G>A on the coding strand, the complement: ZC3H4 is on the minus strand). VCF-style: chr19-47066800-C-T. GRCh37 (hg19) VCF-style: chr19-47570057-C-T.
Identifiers: ClinVar variation 3051234 (VCV003051234.2), dbSNP rs546413565, ClinGen allele CA9534589.

ClinVar aggregate classification (germline): Likely benign (0 of 4 stars; one submission).

Conditions:
ZC3H4-related disorder. Also called: ZC3H4-related condition.

Allele frequency attached by ClinVar (database versions not stated): ExAC 0.00134; 1000 Genomes Project 30x 0.00141; 1000 Genomes Project 0.00160.
gnomAD v4.1: 713 of 1,600,370 alleles (0.045%); highest among the groups gnomAD compares: South Asian, 0.66%; 10 homozygotes.

Submission:

PreventionGenetics, part of Exact Sciences
Classification: Likely benign for ZC3H4-related condition. Last evaluated: 2020-01-06. Review status: no assertion criteria provided. Collection method: clinical testing. Allele origin: germline.
Comment: This variant is classified as likely benign based on ACMG/AMP sequence variant interpretation guidelines (Richards et al. 2015 PMID: 25741868, with internal and published modifications).